The following is an entry in ClinVar:

ClinVar aggregate classification (germline): not provided (0 of 4 stars; one submission).

Allele frequency attached by ClinVar (database versions not stated): gnomAD 0.00023 and 0.00025; TOPMed 0.00042.
gnomAD v4.1: 36 of 151,918 alleles (0.024%); highest among the groups gnomAD compares: Admixed American, 0.16%; no homozygotes.

Submission:

Human Evolutionary Genetics, Institut Pasteur
No classification provided. Review status: no classification provided. Collection method: not provided. Allele origin: germline.
ClinVar note: Converted during submission from untested to not provided.

NM_178844.4(NLRC3):c.2183+374G>C

Gene: NLRC3 (NLR family CARD domain containing 3; minus strand). Cytogenetic location: 16p13.3.
Variant type: single nucleotide variant.
Coding change: c.2183+374G>C on transcript NM_178844.4 (MANE Select); 374 bases into the intron after coding-DNA position 2183, G replaced by C.
Molecular consequence: intron variant.
Genome position (GRCh38, 1-based): chr16:3,556,537, C>G on the plus strand (G>C on the coding strand, the complement: NLRC3 is on the minus strand). VCF-style: chr16-3556537-C-G. GRCh37 (hg19) VCF-style: chr16-3606538-C-G.
Identifiers: ClinVar variation 103367 (VCV000103367.2), dbSNP rs199476283, ClinGen allele CA230480.
Genomic context (GRCh38, chr16:3,556,537, plus strand): 5'-GATGGGAGCCAGTATCCCATGCCTGCCATCTTTGTTTGCTTGCTTGTTGAGAGAGTTTCA[C>G]TCTGTCACCCAGGCTGGAGTGTAGTGGCGCGATCTCAACTTACTGCAACCTCTGCTTCCC-3'